The following is an entry in ClinVar:

ClinVar aggregate classification (germline): Conflicting classifications of pathogenicity. Review status: criteria provided, conflicting classifications (1 of 4 stars). 2 submissions from 2 submitters: Uncertain significance (1); Likely benign (1). Last evaluated 2022-08-20.

Conditions:
Inborn genetic diseases. Identifiers: MedGen C0950123, MeSH D030342.
Familial focal epilepsy with variable foci (FPEVF). Identifiers: Orphanet 98820, MedGen C1858477, MONDO:0020310.

gnomAD v4.1: 11 of 1,613,990 alleles (0.00068%); highest among the groups gnomAD compares: Middle Eastern, 0.016%; no homozygotes.

Submissions (2):

Labcorp Genetics (formerly Invitae), Labcorp
Classification: Uncertain significance for Familial focal epilepsy with variable foci. Last evaluated: 2022-08-20. Review status: criteria provided, single submitter. Criteria: Invitae Variant Classification Sherloc (09022015). Collection method: clinical testing. Allele origin: germline.
Comment: This variant has not been reported in the literature in individuals affected with DEPDC5-related conditions. This variant is present in population databases (rs61731667, gnomAD 0.01%). This sequence change replaces phenylalanine, which is neutral and non-polar, with leucine, which is neutral and non-polar, at codon 685 of the DEPDC5 protein (p.Phe685Leu). ClinVar contains an entry for this variant (Variation ID: 1488258). In summary, the available evidence is currently insufficient to determine the role of this variant in disease. Therefore, it has been classified as a Variant of Uncertain Significance. Algorithms developed to predict the effect of sequence changes on RNA splicing suggest that this variant may disrupt the consensus splice site. Algorithms developed to predict the effect of missense changes on protein structure and function are either unavailable or do not agree on the potential impact of this missense change (SIFT: "Tolerated"; PolyPhen-2: "Not Available"; Align-GVGD: "Class C0").

Ambry Genetics
Classification: Likely benign for Inborn genetic diseases. Last evaluated: 2019-08-30. Review status: criteria provided, single submitter. Criteria: Ambry Variant Classification Scheme 2023. Collection method: clinical testing. Allele origin: germline.

NM_001242896.3(DEPDC5):c.2055C>G (p.Phe685Leu)

Gene: DEPDC5 (DEP domain containing 5, GATOR1 subcomplex subunit; plus strand). Cytogenetic location: 22q12.3.
Variant type: single nucleotide variant.
Coding change: c.2055C>G on transcript NM_001242896.3 (MANE Select); coding-DNA position 2055, C replaced by G.
Protein change: p.Phe685Leu; replaces phenylalanine 685 with leucine.
Molecular consequence: missense variant. On other transcripts: non-coding transcript variant (4), intron variant (3).
Genome position (GRCh38, 1-based): chr22:31,822,741, C>G. VCF-style: chr22-31822741-C-G. GRCh37 (hg19) VCF-style: chr22-32218727-C-G.
Other names: c.2055C>G, p.Phe685Leu (NM_001136029.4, NM_001363852.2, NM_001364318.2 and 3 more transcripts); c.1971C>G, p.Phe657Leu (NM_001369901.1, NM_001369902.1); c.1870+3516C>G (NM_001363854.2, NM_001242897.2, NM_001364319.2); short protein forms F657L, F685L.
Identifiers: ClinVar variation 1488258 (VCV001488258.10), dbSNP rs61731667, ClinGen allele CA10196555.